The following is an entry in ClinVar:

NM_001394372.1(BICRA):c.1958C>A (p.Pro653Gln)

Gene: BICRA (BRD4 interacting chromatin remodeling complex associated protein; plus strand). Cytogenetic location: 19q13.33.
Variant type: single nucleotide variant.
Coding change: c.1958C>A on transcript NM_001394372.1 (MANE Select); coding-DNA position 1958, C replaced by A.
Protein change: p.Pro653Gln; replaces proline 653 with glutamine.
Molecular consequence: missense variant.
Genome position (GRCh38, 1-based): chr19:47,681,128, C>A. VCF-style: chr19-47681128-C-A. GRCh37 (hg19) VCF-style: chr19-48184385-C-A.
Other names: c.1958C>A, p.Pro653Gln (NM_015711.3); short protein forms P653Q.
Identifiers: ClinVar variation 3234861 (VCV003234861.1), dbSNP rs2514111796, ClinGen allele CA406616498.

ClinVar aggregate classification (germline): Uncertain significance (1 of 4 stars; one submission).

Conditions:
Coffin-Siris syndrome 12. Identifiers: MedGen C5444111, MONDO:0025699, OMIM 619325.

Submission:

Neuberg Centre For Genomic Medicine, NCGM
Classification: Uncertain significance for Coffin-Siris syndrome 12. Review status: criteria provided, single submitter. Criteria: ACMG Guidelines, 2015. Collection method: clinical testing. Allele origin: germline. Inheritance: Autosomal dominant inheritance. Affected: yes.
Comment: The missense c.1958C>A p.Pro653Gln variant in BICRA gene has not been reported previously as a pathogenic variant nor as a benign variant, to our knowledge. The p.Pro653Gln variant is novel not in any individuals in both gnomAD Exomes and 1000 Genomes databases. This variant has not been reported to the ClinVar database. The amino acid change p.Pro653Gln in BICRA is predicted as conserved by GERP++ and PhyloP across 100 vertebrates. The amino acid Pro at position 653 is changed to a Gln changing protein sequence and it might alter its composition and physico-chemical properties. For these reasons, this variant has been classified as a Variant of Uncertain Significance VUS.